The following is an entry in ClinVar:

NM_206965.2(FTCD):c.1077GGC[2] (p.Ala365del)

Gene: FTCD (formimidoyltransferase cyclodeaminase; minus strand). Cytogenetic location: 21q22.3.
Variant type: Microsatellite.
Coding change: c.1077GGC[2] on transcript NM_206965.2 (MANE Select); two copies in a row of the 3-base unit GGC starting at c.1077; the reference has three copies in a row; one copy, 3 bases deleted.
Protein change: p.Ala365del; deletes alanine 365.
Molecular consequence: inframe deletion.
Genome position (GRCh38, 1-based): chr21:46,145,831-46,145,833, GCC deleted on the plus strand (GGC on the coding strand, the reverse complement: FTCD is on the minus strand); deleting any 3 consecutive bases within chr21:46,145,831-46,145,839 gives the same sequence; the position shown is the placement nearest the transcript's 3' end. VCF-style (leftmost placement, unchanged base first): chr21-46145830-GGCC-G. GRCh37 (hg19) VCF-style: chr21-47565744-GGCC-G.
Other names: c.1077GGC[2], p.Ala365del (NM_001320412.2, NM_006657.3); short protein forms A365del.
Identifiers: ClinVar variation 1054702 (VCV001054702.7), dbSNP rs780057373, ClinGen allele CA321962058.

ClinVar aggregate classification (germline): Uncertain significance (1 of 4 stars; one submission).

Conditions:
Glutamate formiminotransferase deficiency. Also called: Arakawa syndrome 1; Formiminoglutamic aciduria. Identifiers: Orphanet 51208, MedGen C0268609, MONDO:0009240, OMIM 229100.

Submission:

Labcorp Genetics (formerly Invitae), Labcorp
Classification: Uncertain significance for Glutamate formiminotransferase deficiency. Last evaluated: 2020-10-14. Review status: criteria provided, single submitter. Criteria: Invitae Variant Classification Sherloc (09022015). Collection method: clinical testing. Allele origin: germline.
Comment: In summary, the available evidence is currently insufficient to determine the role of this variant in disease. Therefore, it has been classified as a Variant of Uncertain Significance. Experimental studies and prediction algorithms are not available or were not evaluated, and the functional significance of this variant is currently unknown. This variant has not been reported in the literature in individuals with FTCD-related conditions. The frequency data for this variant in the population databases is considered unreliable, as metrics indicate insufficient coverage at this position in the ExAC database. This variant, c.1083_1085del, results in the deletion of 1 amino acid(s) of the FTCD protein (p.Ala365del), but otherwise preserves the integrity of the reading frame.